The following is an entry in ClinVar:

ClinVar aggregate classification (germline): Uncertain significance (1 of 4 stars; one submission).

Conditions:
Developmental and epileptic encephalopathy, 42 (DEE42A). Also called: DEVELOPMENTAL AND EPILEPTIC ENCEPHALOPATHY 42A; EPILEPTIC ENCEPHALOPATHY, EARLY INFANTILE, 42A; Epileptic encephalopathy, early infantile, 42. Identifiers: MedGen C4310716, MONDO:0014917, OMIM 617106.
Episodic ataxia type 2 (EA2). Also called: ACETAZOLAMIDE-RESPONSIVE HEREDITARY PAROXYSMAL CEREBELLAR ATAXIA; ATAXIA, EPISODIC, WITH NYSTAGMUS; ATAXIA, FAMILIAL PAROXYSMAL; CEREBELLAR ATAXIA, PAROXYSMAL, ACETAZOLAMIDE-RESPONSIVE; CEREBELLOPATHY, HEREDITARY PAROXYSMAL; EPISODIC ATAXIA, NYSTAGMUS-ASSOCIATED. Identifiers: Orphanet 97, MedGen C1720416, MONDO:0007163, OMIM 108500.
Spinocerebellar ataxia type 6 (SCA6). Identifiers: Orphanet 98758, MedGen C0752124, MONDO:0008457, OMIM 183086.
Migraine, familial hemiplegic, 1. Also called: MIGRAINE, FAMILIAL HEMIPLEGIC 1, WITH PROGRESSIVE CEREBELLAR ATAXIA. Identifiers: Orphanet 569, MedGen C1832884, MONDO:0020756, OMIM 141500, MONDO:0007714.

Submission:

Juno Genomics, Hangzhou Juno Genomics, Inc
Classification: Uncertain significance for Developmental and epileptic encephalopathy, 42; Episodic ataxia type 2; Migraine, familial hemiplegic, 1; Spinocerebellar ataxia type 6. Review status: criteria provided, single submitter. Criteria: ACMG Guidelines, 2015. Collection method: clinical testing. Allele origin: germline. Affected: yes.
Comment: Absent from controls (or at extremely low frequency if recessive) in Genome Aggregation Database.;Missense variant in a gene that has a low rate of benign missense variation.;Multiple lines of computational evidence support a deleterious effect on the gene or gene product.

NM_001127222.2(CACNA1A):c.3937A>G (p.Asn1313Asp)

Genes: CACNA1A (calcium voltage-gated channel subunit alpha1 A; minus strand), LOC126862865 (CDK7 strongly-dependent group 2 enhancer GRCh37_chr19:13385818-13387017; plus strand). Cytogenetic location: 19p13.13.
Variant type: single nucleotide variant.
Coding change: c.3937A>G on transcript NM_001127222.2 (MANE Select); coding-DNA position 3937, A replaced by G.
Protein change: p.Asn1313Asp; replaces asparagine 1313 with aspartic acid.
Molecular consequence: missense variant.
Genome position (GRCh38, 1-based): chr19:13,275,902, T>C on the plus strand (A>G on the coding strand, the complement: CACNA1A is on the minus strand). VCF-style: chr19-13275902-T-C. GRCh37 (hg19) VCF-style: chr19-13386716-T-C.
Other names: c.3949A>G, p.Asn1317Asp (NM_000068.4, NM_023035.3); c.3940A>G, p.Asn1314Asp (NM_001127221.2, NM_001174080.2); short protein forms N1313D, N1314D, N1317D.
Identifiers: ClinVar variation 5019851 (VCV005019851.1).